The following is an entry in ClinVar:

ClinVar aggregate classification (germline): Conflicting classifications of pathogenicity. Review status: criteria provided, conflicting classifications (1 of 4 stars). 3 submissions from 3 submitters: Uncertain significance (2); Likely benign (1). Last evaluated 2025-07-13.

Conditions:
Hereditary cancer-predisposing syndrome. Also called: Neoplastic Syndromes, Hereditary; Hereditary neoplastic syndrome; Tumor predisposition; Hereditary Cancer Syndrome. Identifiers: Orphanet 140162, MedGen C0027672, MeSH D009386, MONDO:0015356.
Hereditary breast ovarian cancer syndrome. Also called: BRCA1- and BRCA2-Associated Hereditary Breast and Ovarian Cancer; Hereditary breast and ovarian cancer syndrome (HBOC); Hereditary breast and ovarian cancer syndrome; Hereditary breast and ovarian cancer; Breast and ovarian cancer; Hereditary breast and/or ovarian cancer syndrome. Identifiers: Orphanet 145, MedGen C0677776, MeSH D061325, MONDO:0003582. Disease mechanism: loss of function.

Allele frequency attached by ClinVar (database versions not stated): gnomAD 0.00001.
gnomAD v4.1: 1 of 1,613,960 alleles (0.000062%); highest among the groups gnomAD compares: Non-Finnish European, 0.000085%; no homozygotes.

Submissions (3):

Labcorp Genetics (formerly Invitae), Labcorp
Classification: Uncertain significance for Hereditary breast ovarian cancer syndrome. Last evaluated: 2025-07-13. Review status: criteria provided, single submitter. Criteria: Invitae Variant Classification Sherloc (09022015). Collection method: clinical testing. Allele origin: germline.
Comment: This sequence change replaces valine, which is neutral and non-polar, with alanine, which is neutral and non-polar, at codon 764 of the BRCA1 protein (p.Val764Ala). This variant is present in population databases (no rsID available, gnomAD 0.007%). This variant has not been reported in the literature in individuals affected with BRCA1-related conditions. ClinVar contains an entry for this variant (Variation ID: 1392157). Invitae Evidence Modeling of protein sequence and biophysical properties (such as structural, functional, and spatial information, amino acid conservation, physicochemical variation, residue mobility, and thermodynamic stability) indicates that this missense variant is not expected to disrupt BRCA1 protein function with a negative predictive value of 80%. In summary, the available evidence is currently insufficient to determine the role of this variant in disease. Therefore, it has been classified as a Variant of Uncertain Significance.

Ambry Genetics
Classification: Uncertain significance for Hereditary cancer-predisposing syndrome. Last evaluated: 2023-11-14. Review status: criteria provided, single submitter. Criteria: Ambry Variant Classification Scheme 2023. Collection method: clinical testing. Allele origin: germline.
Comment: The p.V764A variant (also known as c.2291T>C), located in coding exon 9 of the BRCA1 gene, results from a T to C substitution at nucleotide position 2291. The valine at codon 764 is replaced by alanine, an amino acid with similar properties. This amino acid position is conserved. In addition, this alteration is predicted to be tolerated by in silico analysis. Since supporting evidence is limited at this time, the clinical significance of this alteration remains unclear.

University of Washington Department of Laboratory Medicine, University of Washington
Classification: Likely benign for Hereditary cancer-predisposing syndrome. Last evaluated: 2023-03-23. Review status: criteria provided, single submitter. Criteria: Dines et al. (Genet Med. 2020). Collection method: curation. Allele origin: germline.
Comment: Missense variant in a coldspot region where missense variants are very unlikely to be pathogenic (PMID:31911673).

BRCA1 coldspot (exon 11 using historical exon numbering). Reclassification based on statistical prior probability

NM_007294.4(BRCA1):c.2291T>C (p.Val764Ala)

Gene: BRCA1 (BRCA1 DNA repair associated; minus strand). Cytogenetic location: 17q21.31.
Variant type: single nucleotide variant.
Coding change: c.2291T>C on transcript NM_007294.4 (MANE Select); coding-DNA position 2291, T replaced by C.
Protein change: p.Val764Ala; replaces valine 764 with alanine.
Molecular consequence: missense variant. On other transcripts: intron variant (137).
Genome position (GRCh38, 1-based): chr17:43,093,240, A>G on the plus strand (T>C on the coding strand, the complement: BRCA1 is on the minus strand). VCF-style: chr17-43093240-A-G. GRCh37 (hg19) VCF-style: chr17-41245257-A-G.
Other names: c.2165T>C, p.Val722Ala (NM_001407649.1, NM_001407690.1, NM_001407691.1 and 11 more transcripts); c.2291T>C, p.Val764Ala (NM_001407652.1, NM_001407684.1, NM_007300.4 and 30 more transcripts); c.2213T>C, p.Val738Ala (NM_001407653.1, NM_001407654.1, NM_001407655.1 and 4 more transcripts); c.2210T>C, p.Val737Ala (NM_001407659.1, NM_001407660.1, NM_001407661.1 and 1 more transcripts); c.2168T>C, p.Val723Ala (NM_001407664.1, NM_001407665.1, NM_001407666.1 and 19 more transcripts); c.2078T>C, p.Val693Ala (NM_001407899.1, NM_001407915.1, NM_001407916.1 and 9 more transcripts); c.2081T>C, p.Val694Ala (NM_001407900.1, NM_001407902.1, NM_001407904.1 and 13 more transcripts); c.2027T>C, p.Val676Ala (NM_001407920.1, NM_001407921.1, NM_001407922.1 and 9 more transcripts); and 41 more; short protein forms V764A, V717A, V637A, V675A, V694A, V697A, V716A, V738A.
Identifiers: ClinVar variation 1392157 (VCV001392157.11), dbSNP rs1234701709, ClinGen allele CA10597418.